The following is an entry in ClinVar:

ClinVar aggregate classification (germline): Benign. Review status: criteria provided, multiple submitters, no conflicts (2 of 4 stars). 8 submissions from 8 submitters: Benign (6). 2 of the submissions do not count toward it. Last evaluated 2026-02-04.

Conditions:
Cardiovascular phenotype. Identifiers: MedGen CN230736.
Hypertrophic cardiomyopathy 16. Identifiers: MedGen C3151204, MONDO:0013455, OMIM 613838.
Hypertrophic cardiomyopathy. Also called: HYPERTROPHIC MYOCARDIOPATHY. Identifiers: Orphanet 217569, MedGen C0007194, MeSH D002312, MONDO:0005045, HP:0001639.

Allele frequency attached by ClinVar (database versions not stated): gnomAD exomes 0.03213 and 0.04237; ExAC 0.04434; gnomAD 0.06987 and 0.07218; ESP Exome Variant Server 0.07312; TOPMed 0.07554; 1000 Genomes Project 0.08387; 1000 Genomes Project 30x 0.08838.
gnomAD v4.1: 58,176 of 1,613,936 alleles (3.6%); highest among the groups gnomAD compares: African/African-American, 18%; 2,008 homozygotes.

Submissions (8):

Labcorp Genetics (formerly Invitae), Labcorp
Classification: Benign for Hypertrophic cardiomyopathy. Last evaluated: 2026-02-04. Review status: criteria provided, single submitter. Criteria: Invitae Variant Classification Sherloc (09022015). Collection method: clinical testing. Allele origin: germline.

Clinical Genetics DNA and cytogenetics Diagnostics Lab, Erasmus MC, Erasmus Medical Center
Classification: Benign for Hypertrophic cardiomyopathy 16. Last evaluated: 2015-09-21. Review status: criteria provided, single submitter. Criteria: ACGS Guidelines, 2013. Collection method: clinical testing. Allele origin: germline. Affected: yes. Study: VKGL Data-share Consensus.

Ambry Genetics
Classification: Benign for Cardiovascular phenotype. Last evaluated: 2015-06-17. Review status: criteria provided, single submitter. Criteria: Ambry Variant Classification Scheme 2023. Collection method: clinical testing. Allele origin: germline.

GeneDx
Classification: Benign. Last evaluated: 2014-01-20. Review status: criteria provided, single submitter. Criteria: GeneDx Variant Classification (06012015). Collection method: clinical testing. Allele origin: germline. Affected: yes.
Comment: This variant is considered likely benign or benign based on one or more of the following criteria: it is a conservative change, it occurs at a poorly conserved position in the protein, it is predicted to be benign by multiple in silico algorithms, and/or has population frequency not consistent with disease.

Laboratory for Molecular Medicine, Mass General Brigham Personalized Medicine
Classification: Benign. Last evaluated: 2011-09-22. Review status: criteria provided, single submitter. Criteria: LMM Criteria. Collection method: clinical testing. Allele origin: germline. Observed: 240 variant alleles.

Breakthrough Genomics
Classification: Benign. Review status: criteria provided, single submitter. Criteria: ACMG Guidelines, 2015. Collection method: not provided. Allele origin: germline. Inheritance: Autosomal dominant inheritance. Affected: yes.

Leiden Muscular Dystrophy (MYOZ2)
No classification provided. Last evaluated: 2012-04-20. Review status: no classification provided. Collection method: curation. Allele origin: germline. Not counted in ClinVar's aggregate classification.

Clinical Genetics, Academic Medical Center
Classification: Benign. Review status: no assertion criteria provided. Collection method: clinical testing. Allele origin: germline. Affected: yes. Study: VKGL Data-share Consensus. Not counted in ClinVar's aggregate classification.

NM_016599.5(MYOZ2):c.459A>G (p.Glu153=)

Gene: MYOZ2 (myozenin 2; plus strand). Cytogenetic location: 4q26.
Variant type: single nucleotide variant.
Coding change: c.459A>G on transcript NM_016599.5 (MANE Select); coding-DNA position 459, A replaced by G.
Protein change: p.Glu153=; no amino-acid change (glutamic acid 153 retained).
Molecular consequence: synonymous variant.
Genome position (GRCh38, 1-based): chr4:119,164,293, A>G. VCF-style: chr4-119164293-A-G. GRCh37 (hg19) VCF-style: chr4-120085448-A-G.
Other names: p.E153E:GAA>GAG.
Identifiers: ClinVar variation 31786 (VCV000031786.24), dbSNP rs7687613, ClinGen allele CA215278.
Genomic context (GRCh38, chr4:119,164,293, plus strand): 5'-AATTCCTCCTGAAAAATTCAACACCACAGCTGTCCCTAAGTACTATCAATCTCCCTGGGA[A>G]CAAGCCATTAGCAATGATCCGGAGCTTTTAGAGGCTTTATATCCTAAACTTTTCAAGCCT-3'
Protein context (NP_057683.1, residues 143-163): AVPKYYQSPW[Glu153=]QAISNDPELL